The following is an entry in ClinVar:

NM_001243133.2(NLRP3):c.1944C>A (p.Phe648Leu)

Gene: NLRP3 (NLR family pyrin domain containing 3; plus strand). Cytogenetic location: 1q44.
Variant type: single nucleotide variant.
Coding change: c.1944C>A on transcript NM_001243133.2 (MANE Select); coding-DNA position 1944, C replaced by A.
Protein change: p.Phe648Leu; replaces phenylalanine 648 with leucine.
Molecular consequence: missense variant.
Genome position (GRCh38, 1-based): chr1:247,425,393, C>A. VCF-style: chr1-247425393-C-A. GRCh37 (hg19) VCF-style: chr1-247588695-C-A.
Other names: c.1944C>A, p.Phe648Leu (NM_001127461.3, NM_001127462.3, NM_183395.3 and 1 more transcripts); c.1950C>A, p.Phe650Leu (NM_004895.5); short protein forms F648L, F650L.
Identifiers: ClinVar variation 1694556 (VCV001694556.36), dbSNP rs1230268213, ClinGen allele CA345558261.

ClinVar aggregate classification (germline): Uncertain significance. Review status: criteria provided, multiple submitters, no conflicts (2 of 4 stars). 2 submissions from 2 submitters: Uncertain significance (2). Last evaluated 2025-09-02.

Conditions:
Cryopyrin associated periodic syndrome (CAPS). Identifiers: Orphanet 208650, MedGen C2316212, MONDO:0016168.

Allele frequency attached by ClinVar (database versions not stated): gnomAD exomes below 0.00001; TOPMed below 0.00001.
gnomAD v4.1: 6 of 1,614,184 alleles (0.00037%); highest among the groups gnomAD compares: African/African-American, 0.0027%; no homozygotes.

Submissions (2):

Labcorp Genetics (formerly Invitae), Labcorp
Classification: Uncertain significance for Cryopyrin associated periodic syndrome. Last evaluated: 2025-09-02. Review status: criteria provided, single submitter. Criteria: Invitae Variant Classification Sherloc (09022015). Collection method: clinical testing. Allele origin: germline.
Comment: This sequence change replaces phenylalanine, which is neutral and non-polar, with leucine, which is neutral and non-polar, at codon 650 of the NLRP3 protein (p.Phe650Leu). This variant is present in population databases (no rsID available, gnomAD 0.0009%). This variant has not been reported in the literature in individuals affected with NLRP3-related conditions. ClinVar contains an entry for this variant (Variation ID: 1694556). Invitae Evidence Modeling of protein sequence and biophysical properties (such as structural, functional, and spatial information, amino acid conservation, physicochemical variation, residue mobility, and thermodynamic stability) has been performed for this missense variant. However, the output from this modeling did not meet the statistical confidence thresholds required to predict the impact of this variant on NLRP3 protein function. In summary, the available evidence is currently insufficient to determine the role of this variant in disease. Therefore, it has been classified as a Variant of Uncertain Significance.

CeGaT Center for Human Genetics Tuebingen
Classification: Uncertain significance. Last evaluated: 2022-05-01. Review status: criteria provided, single submitter. Criteria: CeGaT Center For Human Genetics Tuebingen Variant Classification Criteria Version 2. Collection method: clinical testing. Allele origin: germline. Affected: yes. Observed: 1 variant allele.